The following is an entry in ClinVar:

NM_003839.4(TNFRSF11A):c.157+4C>T

Gene: TNFRSF11A (TNF receptor superfamily member 11a; plus strand). Cytogenetic location: 18q21.33.
Variant type: single nucleotide variant.
Coding change: c.157+4C>T on transcript NM_003839.4 (MANE Select); 4 bases into the intron after coding-DNA position 157, C replaced by T.
Molecular consequence: intron variant.
Genome position (GRCh38, 1-based): chr18:62,348,253, C>T. VCF-style: chr18-62348253-C-T. GRCh37 (hg19) VCF-style: chr18-60015486-C-T.
Other names: c.157+4C>T (NM_001270949.2, NM_001270950.2, NM_001270951.2 and 1 more transcripts).
Identifiers: ClinVar variation 1427756 (VCV001427756.6), dbSNP rs1403684699, ClinGen allele CA630111581.

ClinVar aggregate classification (germline): Uncertain significance (1 of 4 stars; one submission).

Allele frequency attached by ClinVar (database versions not stated): gnomAD exomes below 0.00001 and 0.00001; TOPMed below 0.00001; gnomAD 0.00001.
gnomAD v4.1: 6 of 1,613,162 alleles (0.00037%); highest among the groups gnomAD compares: Admixed American, 0.005%; 1 homozygote.

Submission:

Labcorp Genetics (formerly Invitae), Labcorp
Classification: Uncertain significance. Last evaluated: 2024-06-26. Review status: criteria provided, single submitter. Criteria: Invitae Variant Classification Sherloc (09022015). Collection method: clinical testing. Allele origin: germline.
Comment: This sequence change falls in intron 2 of the TNFRSF11A gene. It does not directly change the encoded amino acid sequence of the TNFRSF11A protein. It affects a nucleotide within the consensus splice site. This variant is present in population databases (no rsID available, gnomAD 0.006%). This variant has not been reported in the literature in individuals affected with TNFRSF11A-related conditions. ClinVar contains an entry for this variant (Variation ID: 1427756). Variants that disrupt the consensus splice site are a relatively common cause of aberrant splicing (PMID: 17576681, 9536098). Algorithms developed to predict the effect of sequence changes on RNA splicing suggest that this variant is not likely to affect RNA splicing. In summary, the available evidence is currently insufficient to determine the role of this variant in disease. Therefore, it has been classified as a Variant of Uncertain Significance.

Literature cited by the submitters: PubMed 17576681; PubMed 9536098.